The following is an entry in ClinVar:

NC_000009.12:g.(?_134782657)_(134842313_?)del

Gene: COL5A1 (collagen type V alpha 1 chain; plus strand). Cytogenetic location: 9q34.3.
Variant type: Deletion.
Identifiers: ClinVar variation 831806 (VCV000831806.8).

ClinVar aggregate classification (germline): Pathogenic. Review status: criteria provided, single submitter (1 of 4 stars). 2 submissions from 1 submitter: Pathogenic (2). Last evaluated 2022-12-02.

Conditions:
Ehlers-Danlos syndrome, classic type (cEDS). Identifiers: Orphanet 287, MedGen C4225429, MONDO:0007522.
Ehlers-Danlos syndrome, classic type, 1 (EDSCL1). Also called: Ehlers-Danlos syndrome, type 1; Ehlers-Danlos Syndrome, Classic Type, COL5A1-Related; EDS I; EHLERS-DANLOS SYNDROME, GRAVIS TYPE; EHLERS-DANLOS SYNDROME, SEVERE CLASSIC TYPE. Identifiers: MedGen C0268335, MONDO:0019567, OMIM 130000.

Submissions (2):

Labcorp Genetics (formerly Invitae), Labcorp
Classification: Pathogenic for Ehlers-Danlos syndrome, classic type, 1. Last evaluated: 2022-12-02. Review status: criteria provided, single submitter. Criteria: Invitae Variant Classification Sherloc (09022015). Collection method: clinical testing. Allele origin: germline.
Comment: For these reasons, this variant has been classified as Pathogenic. This variant disrupts a region of the COL5A1 protein in which other variant(s) (p.Gly1372Arg) have been determined to be pathogenic (PMID: 33656776; Invitae). This suggests that this is a clinically significant region of the protein, and that variants that disrupt it are likely to be disease-causing. This variant disrupts the triple helix domain of COL5A1. Glycine residues within the Gly-Xaa-Yaa repeats of the triple helix domain are required for the structure and stability of fibrillar collagens (PMID: 7695699, 8218237, 19344236), and variants at these glycine residues in COL5A1 are more frequently observed in individuals with disease than in the general population (PMID: 22696272, 23587214). However, the clinical significance of this observation remains uncertain since only a limited number of affected individuals have been described to date. This variant has not been reported in the literature in individuals affected with COL5A1-related conditions. This variant is a gross deletion of the genomic region encompassing exon(s) 29-66 of the COL5A1 gene, which includes the termination codon. This deletion extends beyond the assayed region for this gene and therefore may encompass additional genes. While this deletion is not anticipated to lead to nonsense mediated decay, it is expected to alter mRNA translation or result in a truncated protein product.

Labcorp Genetics (formerly Invitae), Labcorp
Classification: Pathogenic for Ehlers-Danlos syndrome, type 1. Last evaluated: 2019-01-31. Review status: criteria provided, single submitter. Criteria: Invitae Variant Classification Sherloc (09022015). Collection method: clinical testing. Allele origin: germline.
Comment: This variant is a gross deletion of the genomic region encompassing exons 29-66 of the COL5A1 gene. The 5' boundary is likely confined to intron 28. The 3' end of this event is unknown as it extends through the termination codon beyond the assayed region for this gene and may encompass additional genes. While this deletion is not anticipated to result in nonsense mediated decay, it is expected to create a truncated protein product or disrupt mRNA translation. This variant has not been reported in the literature in individuals with COL5A1-related conditions. This variant affects glycine residues within the Gly-Xaa-Yaa repeats of the triple helix domain that are required for the structure and stability of fibrillar collagens (PMID: 7695699, 8218237, 19344236). In addition, missense variants at these glycine residues in COL5A1 are more frequently observed in individuals with disease than in the general population (PMID: 22696272, 23587214). However, the clinical significance of this observation remains uncertain since only a limited number of affected individuals have been described to date. For these reasons, this variant has been classified as Pathogenic.

Literature cited by the submitters: PubMed 33656776; PubMed 7695699; PubMed 8218237; PubMed 19344236; PubMed 22696272; PubMed 23587214.